The following is an entry in ClinVar:

NM_031407.7(HUWE1):c.8693C>A (p.Ala2898Glu)

Gene: HUWE1 (HECT, UBA and WWE domain containing E3 ubiquitin protein ligase 1; minus strand). Cytogenetic location: Xp11.22.
Variant type: single nucleotide variant.
Coding change: c.8693C>A on transcript NM_031407.7 (MANE Select); coding-DNA position 8693, C replaced by A.
Protein change: p.Ala2898Glu; replaces alanine 2898 with glutamic acid.
Molecular consequence: missense variant.
Genome position (GRCh38, 1-based): chrX:53,552,695, G>T on the plus strand (C>A on the coding strand, the complement: HUWE1 is on the minus strand). VCF-style: chrX-53552695-G-T. GRCh37 (hg19) VCF-style: chrX-53579656-G-T.
Other names: short protein forms A2898E.
Identifiers: ClinVar variation 3389195 (VCV003389195.14).

ClinVar aggregate classification (germline): Likely benign (1 of 4 stars; one submission).

gnomAD v4.1: 24 of 1,210,095 alleles (0.002%); highest among the groups gnomAD compares: South Asian, 0.039%; no homozygotes.

Submission:

CeGaT Center for Human Genetics Tuebingen
Classification: Likely benign. Last evaluated: 2024-11-01. Review status: criteria provided, single submitter. Criteria: CeGaT Center For Human Genetics Tuebingen Variant Classification Criteria Version 2. Collection method: clinical testing. Allele origin: germline. Affected: yes. Observed: 1 variant allele.
Comment: HUWE1: BS2